The following is an entry in ClinVar:

NM_001166108.2(PALLD):c.1000G>A (p.Ala334Thr)

Gene: PALLD (palladin, cytoskeletal associated protein; plus strand). Cytogenetic location: 4q32.3.
Variant type: single nucleotide variant.
Coding change: c.1000G>A on transcript NM_001166108.2 (MANE Select); coding-DNA position 1000, G replaced by A.
Protein change: p.Ala334Thr; replaces alanine 334 with threonine.
Molecular consequence: missense variant. On other transcripts: 5 prime UTR variant (1).
Genome position (GRCh38, 1-based): chr4:168,668,281, G>A. VCF-style: chr4-168668281-G-A. GRCh37 (hg19) VCF-style: chr4-169589432-G-A.
Other names: c.-147G>A (NM_001166109.2); c.1000G>A, p.Ala334Thr (NM_016081.4); short protein forms A334T.
Identifiers: ClinVar variation 2625573 (VCV002625573.2), dbSNP rs1289132006, ClinGen allele CA358793774.

ClinVar aggregate classification (germline): Uncertain significance (1 of 4 stars; one submission).

Allele frequency attached by ClinVar (database versions not stated): TOPMed below 0.00001.

Submission:

Ambry Genetics
Classification: Uncertain significance. Last evaluated: 2023-09-13. Review status: criteria provided, single submitter. Criteria: Ambry Variant Classification Scheme 2023. Collection method: clinical testing. Allele origin: germline.
Comment: The p.A334T variant (also known as c.1000G>A), located in coding exon 2 of the PALLD gene, results from a G to A substitution at nucleotide position 1000. The alanine at codon 334 is replaced by threonine, an amino acid with similar properties. This amino acid position is conserved. In addition, this alteration is predicted to be deleterious by in silico analysis. Since supporting evidence is limited at this time, the clinical significance of this alteration remains unclear.